The following is an entry in ClinVar:

ClinVar aggregate classification (germline): Uncertain significance. Review status: criteria provided, multiple submitters, no conflicts (2 of 4 stars). 2 submissions from 2 submitters: Uncertain significance (2). Last evaluated 2025-09-20.

Conditions:
Inborn genetic diseases. Identifiers: MedGen C0950123, MeSH D030342.
Fanconi anemia (FA). Also called: Fanconi's anemia. Identifiers: Orphanet 84, MedGen C0015625, MeSH D005199, MONDO:0019391.

Allele frequency attached by ClinVar (database versions not stated): gnomAD exomes below 0.00001.
gnomAD v4.1: 5 of 1,614,132 alleles (0.00031%); highest among the groups gnomAD compares: Non-Finnish European, 0.00042%; no homozygotes.

Submissions (2):

Labcorp Genetics (formerly Invitae), Labcorp
Classification: Uncertain significance for Fanconi anemia. Last evaluated: 2025-09-20. Review status: criteria provided, single submitter. Criteria: Invitae Variant Classification Sherloc (09022015). Collection method: clinical testing. Allele origin: germline.
Comment: This sequence change replaces glutamine, which is neutral and polar, with arginine, which is basic and polar, at codon 194 of the FANCA protein (p.Gln194Arg). This variant is not present in population databases (gnomAD no frequency). This variant has not been reported in the literature in individuals affected with FANCA-related conditions. ClinVar contains an entry for this variant (Variation ID: 2077305). Invitae Evidence Modeling of protein sequence and biophysical properties (such as structural, functional, and spatial information, amino acid conservation, physicochemical variation, residue mobility, and thermodynamic stability) indicates that this missense variant is not expected to disrupt FANCA protein function with a negative predictive value of 95%. In summary, the available evidence is currently insufficient to determine the role of this variant in disease. Therefore, it has been classified as a Variant of Uncertain Significance.

Ambry Genetics
Classification: Uncertain significance for Inborn genetic diseases. Last evaluated: 2025-08-14. Review status: criteria provided, single submitter. Criteria: Ambry Variant Classification Scheme 2023. Collection method: clinical testing. Allele origin: germline.
Comment: The p.Q194R variant (also known as c.581A>G), located in coding exon 6 of the FANCA gene, results from an A to G substitution at nucleotide position 581. The glutamine at codon 194 is replaced by arginine, an amino acid with highly similar properties. This amino acid position is conserved. In addition, this alteration is predicted to be tolerated by in silico analysis. Based on the available evidence, the clinical significance of this variant remains unclear.

NM_000135.4(FANCA):c.581A>G (p.Gln194Arg)

Gene: FANCA (FA complementation group A; minus strand). Cytogenetic location: 16q24.3.
Variant type: single nucleotide variant.
Coding change: c.581A>G on transcript NM_000135.4 (MANE Select); coding-DNA position 581, A replaced by G.
Protein change: p.Gln194Arg; replaces glutamine 194 with arginine.
Molecular consequence: missense variant.
Genome position (GRCh38, 1-based): chr16:89,808,309, T>C on the plus strand (A>G on the coding strand, the complement: FANCA is on the minus strand). VCF-style: chr16-89808309-T-C. GRCh37 (hg19) VCF-style: chr16-89874717-T-C.
Other names: c.581A>G, p.Gln194Arg (NM_001018112.3, NM_001286167.3); c.485A>G, p.Gln162Arg (NM_001351830.2); short protein forms Q194R, Q162R.
Identifiers: ClinVar variation 2077305 (VCV002077305.3), dbSNP rs919874783, ClinGen allele CA286607453.